The following is an entry in ClinVar:

NM_006610.4(MASP2):c.555C>T (p.Ser185=)

Gene: MASP2 (MBL associated serine protease 2; minus strand). Cytogenetic location: 1p36.22.
Variant type: single nucleotide variant.
Coding change: c.555C>T on transcript NM_006610.4 (MANE Select); coding-DNA position 555, C replaced by T.
Protein change: p.Ser185=; no amino-acid change (serine 185 retained).
Molecular consequence: synonymous variant.
Genome position (GRCh38, 1-based): chr1:11,043,525, G>A on the plus strand (C>T on the coding strand, the complement: MASP2 is on the minus strand). VCF-style: chr1-11043525-G-A. GRCh37 (hg19) VCF-style: chr1-11103582-G-A.
Identifiers: ClinVar variation 291799 (VCV000291799.7), dbSNP rs78775425, ClinGen allele CA587002.

ClinVar aggregate classification (germline): Benign. Review status: criteria provided, multiple submitters, no conflicts (2 of 4 stars). 3 submissions from 3 submitters: Benign (3). Last evaluated 2026-01-22.

Conditions:
Immunodeficiency due to MASP-2 deficiency. Also called: MASP2 deficiency; LECTIN COMPLEMENT ACTIVATION PATHWAY, DEFECT IN, 2. Identifiers: Orphanet 331187, MedGen C3151085, MONDO:0013423, OMIM 613791.

Allele frequency attached by ClinVar (database versions not stated): gnomAD exomes 0.00230 and 0.00590; ExAC 0.01120; 1000 Genomes Project 0.02296; gnomAD 0.02309 and 0.02482; 1000 Genomes Project 30x 0.02514; TOPMed 0.02657; ESP Exome Variant Server 0.02913.
gnomAD v4.1: 6,983 of 1,598,482 alleles (0.44%); highest among the groups gnomAD compares: African/African-American, 8.1%; 259 homozygotes.

Submissions (3):

Women's Health and Genetics/Laboratory Corporation of America, LabCorp
Classification: Benign. Last evaluated: 2026-01-22. Review status: criteria provided, single submitter. Criteria: LabCorp Variant Classification Summary - May 2015. Collection method: clinical testing. Allele origin: germline.

Illumina Laboratory Services, Illumina
Classification: Benign for Immunodeficiency due to MASP-2 deficiency. Last evaluated: 2018-01-13. Review status: criteria provided, single submitter. Criteria: ICSL Variant Classification Criteria 13 December 2019. Collection method: clinical testing. Allele origin: germline.
Comment: This variant was observed in the ICSL laboratory as part of a predisposition screen in an ostensibly healthy population. It had not been previously curated by ICSL or reported in the Human Gene Mutation Database (HGMD: prior to June 1st, 2018), and was therefore a candidate for classification through an automated scoring system. Utilizing variant allele frequency, disease prevalence and penetrance estimates, and inheritance mode, an automated score was calculated to assess if this variant is too frequent to cause the disease. Based on the score and internal cut-off values, a variant classified as benign is not then subjected to further curation. The score for this variant resulted in a classification of benign for this disease.

Breakthrough Genomics
Classification: Benign. Review status: criteria provided, single submitter. Criteria: ACMG Guidelines, 2015. Collection method: not provided. Allele origin: germline. Inheritance: Autosomal recessive inheritance. Affected: yes.